The following is an entry in ClinVar:

ClinVar aggregate classification (germline): Uncertain significance. Review status: criteria provided, multiple submitters, no conflicts (2 of 4 stars). 5 submissions from 5 submitters: Uncertain significance (4). 1 of the submissions does not count toward it. Last evaluated 2025-05-05.

Conditions:
Hereditary cancer-predisposing syndrome. Also called: Neoplastic Syndromes, Hereditary; Hereditary Cancer Syndrome; Tumor predisposition; Hereditary neoplastic syndrome. Identifiers: Orphanet 140162, MedGen C0027672, MeSH D009386, MONDO:0015356.
Ataxia-telangiectasia syndrome (AT). Also called: Ataxia-telangiectasia, complementation group D; AT, COMPLEMENTATION GROUP C; Ataxia-telangiectasia; ATAXIA-TELANGIECTASIA, COMPLEMENTATION GROUP A; ATAXIA-TELANGIECTASIA, FRESNO VARIANT; Ataxia-telangiectasia, complementation group E. Identifiers: Orphanet 100, MedGen C0004135, MONDO:0008840, OMIM 208900.

Allele frequency attached by ClinVar (database versions not stated): ExAC 0.00001; gnomAD exomes below 0.00001.
gnomAD v4.1: 2 of 1,611,798 alleles (0.00012%); highest among the groups gnomAD compares: African/African-American, 0.0013%; no homozygotes.

Submissions (5):

Labcorp Genetics (formerly Invitae), Labcorp
Classification: Uncertain significance for Ataxia-telangiectasia syndrome. Last evaluated: 2025-05-05. Review status: criteria provided, single submitter. Criteria: Invitae Variant Classification Sherloc (09022015). Collection method: clinical testing. Allele origin: germline.
Comment: This sequence change replaces asparagine, which is neutral and polar, with serine, which is neutral and polar, at codon 2875 of the ATM protein (p.Asn2875Ser). This variant is present in population databases (rs587782451, gnomAD 0.0009%). This missense change has been observed in individual(s) with ataxia telangiectasia, colorectal cancer, and/or familial breast cancer (PMID: 19440741, 30303537, 30730459). ClinVar contains an entry for this variant (Variation ID: 142418). Invitae Evidence Modeling of protein sequence and biophysical properties (such as structural, functional, and spatial information, amino acid conservation, physicochemical variation, residue mobility, and thermodynamic stability) indicates that this missense variant is expected to disrupt ATM protein function with a positive predictive value of 95%. In summary, the available evidence is currently insufficient to determine the role of this variant in disease. Therefore, it has been classified as a Variant of Uncertain Significance.

Ambry Genetics
Classification: Uncertain significance for Hereditary cancer-predisposing syndrome. Last evaluated: 2025-04-07. Review status: criteria provided, single submitter. Criteria: Ambry Variant Classification Scheme 2023. Collection method: clinical testing. Allele origin: germline.
Comment: The p.N2875S variant (also known as c.8624A>G), located in coding exon 58 of the ATM gene, results from an A to G substitution at nucleotide position 8624. The asparagine at codon 2875 is replaced by serine, an amino acid with highly similar properties. This variant was reported in a compound heterozygous state with a frameshift mutation in a patient diagnosed with ataxia telangiectasia, however, phase was not determined (Anheim, M. Neurogenetics. 2010 Feb;11(1):1-12). This alteration has been identified in cohorts of breast and colon cancer patients (Tavtigian SV et al. Am J Hum Genet. 2009 Oct;85:427-46; Girard E et al. Int J Cancer. 2019 04;144:1962-1974; You YN et al. Dis Colon Rectum. 2019 04;62:429-437). Based on internal structural analysis, this alteration eliminates a residue that is critical for binding of the MgATP substrate and therefore impairs its catalytic activity (Gerlits O et al. J. Biol. Chem., 2015 Jun;290:15538-48). This amino acid position is highly conserved in available vertebrate species. In addition, this alteration is predicted to be inconclusive by in silico analyses. Since supporting evidence is limited at this time, the clinical significance of this alteration remains unclear.

Sema4
Classification: Uncertain significance for Hereditary cancer-predisposing syndrome. Last evaluated: 2021-07-26. Review status: criteria provided, single submitter. Criteria: Sema4 Curation Guidelines. Collection method: curation. Allele origin: germline.
Comment: The ATM c.8624A>G (p.N2875S) variant has been reported in 3 individuals with ataxia telangiectasia, breast cancer, and colorectal cancer (PMID 19440741, 30303537, 30730459). It was observed in 1/250406 chromosomes, in the large and broad cohorts of the Genome Aggregation Database (PMID: 32461654). This variant has been reported in ClinVar (Variation ID 142418). Functional studies have not been performed and in silico tool predictions of the variants effect on protein function are deleterious. The overall evidence is insufficient to meet ACMG/AMP criteria for classifying it as benign or pathogenic. In summary, the clinical significance of this variant is currently uncertain.

GeneDx
Classification: Uncertain significance. Last evaluated: 2020-02-06. Review status: criteria provided, single submitter. Criteria: GeneDx Variant Classification Process June 2021. Collection method: clinical testing. Allele origin: germline. Affected: yes.
Comment: Not observed at a significant frequency in large population cohorts (Lek 2016); In silico analysis supports that this missense variant has a deleterious effect on protein structure/function; Observed in individuals with breast and colon cancers (Girard 2019, You 2019); Observed with a nonsense variant in an individual with ataxia telangiectasia, but it is not known whether the variants occurred on the same (in cis) or on different (in trans) chromosomes (Anheim 2010); This variant is associated with the following publications: (PMID: 27304073, 30730459, 30303537, 19440741, 25232094)

Natera, Inc.
Classification: Uncertain significance for Ataxia-telangiectasia. Last evaluated: 2020-09-16. Review status: no assertion criteria provided. Collection method: clinical testing. Allele origin: germline. Not counted in ClinVar's aggregate classification.

Literature cited by the submitters: PubMed 19440741 (cited by 3 submitters); PubMed 30303537 (cited by 3 submitters); PubMed 30730459 (cited by 3 submitters); PubMed 19781682 (cited by Ambry Genetics); PubMed 25925954 (cited by Ambry Genetics).

NM_000051.4(ATM):c.8624A>G (p.Asn2875Ser)

Genes: ATM (ATM serine/threonine kinase; plus strand), C11orf65 (chromosome 11 open reading frame 65; minus strand). Cytogenetic location: 11q22.3.
Variant type: single nucleotide variant.
Coding change: c.8624A>G on transcript NM_000051.4 (MANE Select); coding-DNA position 8624, A replaced by G.
Protein change: p.Asn2875Ser; replaces asparagine 2875 with serine.
Molecular consequence: missense variant. On other transcripts: intron variant (2).
Genome position (GRCh38, 1-based): chr11:108,347,318, A>G. VCF-style: chr11-108347318-A-G. GRCh37 (hg19) VCF-style: chr11-108218045-A-G.
Other names: c.8624A>G, p.Asn2875Ser (NM_001351834.2); c.641-38247T>C (NM_001330368.2); c.695-12026T>C (NM_001351110.2); short protein forms N2875S.
Identifiers: ClinVar variation 142418 (VCV000142418.18), dbSNP rs587782451, ClinGen allele CA168300.
Genomic context (GRCh38, chr11:108,347,318, plus strand): 5'-GTTTGTTTCTTTTTTCTCCAGTTGGTTACATACTTGGACTTGGTGATAGACATGTACAGA[A>G]TATCTTGATAAATGAGCAGTCAGCAGAACTTGTACATATAGATCTAGGTAAGTAATAAAA-3'
Protein context (NP_000042.3, residues 2865-2885): ILGLGDRHVQ[Asn2875Ser]ILINEQSAEL